The following is an entry in ClinVar:

ClinVar aggregate classification (germline): Pathogenic (1 of 4 stars; one submission).

Conditions:
Kleefstra syndrome 1 (KLEFS1). Identifiers: Orphanet 261494, MedGen C0795833, MONDO:0027407, OMIM 610253.

Submission:

Laboratory of Genetics, Children's Clinical University Hospital Latvia
Classification: Pathogenic for Kleefstra syndrome 1. Review status: criteria provided, single submitter. Criteria: ACMG Guidelines, 2015. Collection method: curation. Allele origin: de novo. Affected: yes.
Comment: de novo

Literature cited by the submitters: PubMed 39013458.

NM_024757.5(EHMT1):c.2350G>A (p.Gly784Arg)

Gene: EHMT1 (euchromatic histone lysine methyltransferase 1; plus strand). Cytogenetic location: 9q34.3.
Variant type: single nucleotide variant.
Coding change: c.2350G>A on transcript NM_024757.5 (MANE Select); coding-DNA position 2350, G replaced by A.
Protein change: p.Gly784Arg; replaces glycine 784 with arginine.
Molecular consequence: missense variant.
Genome position (GRCh38, 1-based): chr9:137,782,365, G>A. VCF-style: chr9-137782365-G-A. GRCh37 (hg19) VCF-style: chr9-140676817-G-A.
Other names: c.2350G>A, p.Gly784Arg (NM_001145527.2); c.2257G>A, p.Gly753Arg (NM_001354259.2); c.2329G>A, p.Gly777Arg (NM_001354263.2); short protein forms G753R, G777R, G784R.
Identifiers: ClinVar variation 3236882 (VCV003236882.1).
Genomic context (GRCh38, chr9:137,782,365, plus strand): 5'-CCCAACTTCAAAATGGAGCACCAGAATAAGCGCTCTCCACTGCACGCCGCGGCAGAGGCT[G>A]GACACGTGGACATCTGCCACATGCTGGTTCAGGTGCGGCGGCACGGCGCCCTCCTAGGGC-3'
Protein context (NP_079033.4, residues 774-794): RSPLHAAAEA[Gly784Arg]HVDICHMLVQ